The following is an entry in ClinVar:

ClinVar aggregate classification (germline): Uncertain significance (1 of 4 stars; one submission).

Submission:

Ambry Genetics
Classification: Uncertain significance. Last evaluated: 2021-06-23. Review status: criteria provided, single submitter. Criteria: Ambry Variant Classification Scheme 2023. Collection method: clinical testing. Allele origin: germline.
Comment: The p.A43P variant (also known as c.127G>C), located in coding exon 1 of the GALNT12 gene, results from a G to C substitution at nucleotide position 127. The alanine at codon 43 is replaced by proline, an amino acid with highly similar properties. This amino acid position is conserved. In addition, this alteration is predicted to be tolerated by in silico analysis. Since supporting evidence is limited at this time, the clinical significance of this alteration remains unclear.

NM_024642.5(GALNT12):c.127G>C (p.Ala43Pro)

Gene: GALNT12 (polypeptide N-acetylgalactosaminyltransferase 12; plus strand). Cytogenetic location: 9q22.33.
Variant type: single nucleotide variant.
Coding change: c.127G>C on transcript NM_024642.5 (MANE Select); coding-DNA position 127, G replaced by C.
Protein change: p.Ala43Pro; replaces alanine 43 with proline.
Molecular consequence: missense variant.
Genome position (GRCh38, 1-based): chr9:98,807,825, G>C. VCF-style: chr9-98807825-G-C. GRCh37 (hg19) VCF-style: chr9-101570107-G-C.
Other names: short protein forms A43P.
Identifiers: ClinVar variation 1767660 (VCV001767660.2), dbSNP rs2118256072, ClinGen allele CA374222345.